The following is an entry in ClinVar:

NM_000059.4(BRCA2):c.5656C>A (p.Gln1886Lys)

Gene: BRCA2 (BRCA2 DNA repair associated; plus strand). Cytogenetic location: 13q13.1.
Variant type: single nucleotide variant.
Coding change: c.5656C>A on transcript NM_000059.4 (MANE Select); coding-DNA position 5656, C replaced by A.
Protein change: p.Gln1886Lys; replaces glutamine 1886 with lysine.
Molecular consequence: missense variant. On other transcripts: non-coding transcript variant (1), intron variant (2).
Genome position (GRCh38, 1-based): chr13:32,340,011, C>A. VCF-style: chr13-32340011-C-A. GRCh37 (hg19) VCF-style: chr13-32914148-C-A.
Other names: c.5656C>A, p.Gln1886Lys (NM_001406719.1, NM_001406720.1, NM_001432077.1); c.1910-4547C>A (NM_001406721.1); c.425-4547C>A (NM_001406722.1); short protein forms Q1886K.
Identifiers: ClinVar variation 4856487 (VCV004856487.1).
Genomic context (GRCh38, chr13:32,340,011, plus strand): 5'-TTTACAGACAGTTTCAGTAAAGTAATTAAGGAAAACAACGAGAATAAATCAAAAATTTGC[C>A]AAACGAAAATTATGGCAGGTTGTTACGAGGCATTGGATGATTCAGAGGATATTCTTCATA-3'
Protein context (NP_000050.3, residues 1876-1896): ENNENKSKIC[Gln1886Lys]TKIMAGCYEA

ClinVar aggregate classification (germline): Likely benign (1 of 4 stars; one submission).

Conditions:
Breast-ovarian cancer, familial, susceptibility to, 2 (BROVCA2). Also called: BRCA2 Hereditary Breast and Ovarian Cancer. Identifiers: Orphanet 145, MedGen C2675520, MONDO:0012933, OMIM 612555. Disease mechanism: loss of function.

Submission:

Cancer Bioinformatics and Tumour Evolution Laboratory, Monash University
Classification: Likely benign for Breast-ovarian cancer, familial, susceptibility to, 2. Last evaluated: 2026-05-01. Review status: criteria provided, single submitter. Criteria: ClinGen BRCA1 and BRCA2 Guidelines, 2024. Collection method: curation. Allele origin: germline. Inheritance: Autosomal dominant inheritance.
Comment: Missense variant outside of a functional domain with no splice impact. BRCA1 and BRCA2 VCEP guidelines recommend application of BP1_Strong (PMID: 39142283)